The following is an entry in ClinVar:

NM_004364.5(CEBPA):c.1057G>A (p.Ala353Thr)

Gene: CEBPA (CCAAT enhancer binding protein alpha; minus strand). Cytogenetic location: 19q13.11.
Variant type: single nucleotide variant.
Coding change: c.1057G>A on transcript NM_004364.5 (MANE Select); coding-DNA position 1057, G replaced by A.
Protein change: p.Ala353Thr; replaces alanine 353 with threonine.
Molecular consequence: missense variant.
Genome position (GRCh38, 1-based): chr19:33,301,358, C>T on the plus strand (G>A on the coding strand, the complement: CEBPA is on the minus strand). VCF-style: chr19-33301358-C-T. GRCh37 (hg19) VCF-style: chr19-33792264-C-T.
Other names: c.700G>A, p.Ala234Thr (NM_001285829.2); c.1162G>A, p.Ala388Thr (NM_001287424.2); c.1015G>A, p.Ala339Thr (NM_001287435.2); short protein forms A353T, A234T, A339T, A388T.
Identifiers: ClinVar variation 958006 (VCV000958006.10), dbSNP rs1317158199, ClinGen allele CA405273631.

ClinVar aggregate classification (germline): Uncertain significance (1 of 4 stars; one submission).

Conditions:
Acute myeloid leukemia (AML). Also called: Acute myeloid leukemia, adult; AML adult; Acute non-lymphocytic leukemia; Acute granulocytic leukemia; Leukemia, acute myelogenous, somatic; Leukemia, acute myeloid, somatic. Identifiers: Orphanet 519, MedGen C0023467, MeSH D015470, MONDO:0018874, OMIM 601626, HP:0004808. Disease mechanism: Constitutively activated FLT3.

Allele frequency attached by ClinVar (database versions not stated): gnomAD exomes below 0.00001.
gnomAD v4.1: 3 of 1,602,940 alleles (0.00019%); highest among the groups gnomAD compares: South Asian, 0.0011%; no homozygotes.

Submission:

Labcorp Genetics (formerly Invitae), Labcorp
Classification: Uncertain significance for Acute myeloid leukemia. Last evaluated: 2021-01-13. Review status: criteria provided, single submitter. Criteria: Invitae Variant Classification Sherloc (09022015). Collection method: clinical testing. Allele origin: germline.
Comment: This variant has not been reported in the literature in individuals with CEBPA-related conditions. This variant is not present in population databases (ExAC no frequency). This sequence change replaces alanine with threonine at codon 353 of the CEBPA protein (p.Ala353Thr). The alanine residue is moderately conserved and there is a small physicochemical difference between alanine and threonine. Algorithms developed to predict the effect of missense changes on protein structure and function are either unavailable or do not agree on the potential impact of this missense change (SIFT: "Tolerated"; PolyPhen-2: "Possibly Damaging"; Align-GVGD: "Class C0"). In summary, the available evidence is currently insufficient to determine the role of this variant in disease. Therefore, it has been classified as a Variant of Uncertain Significance.